The following is an entry in ClinVar:

ClinVar aggregate classification (germline): Uncertain significance. Review status: criteria provided, multiple submitters, no conflicts (2 of 4 stars). 2 submissions from 2 submitters: Uncertain significance (2). Last evaluated 2025-10-07.

Conditions:
Inborn genetic diseases. Identifiers: MedGen C0950123, MeSH D030342.
Epilepsy. Also called: Seizure disorder. Identifiers: MedGen C0014544, MeSH D004827, MONDO:0005027.

gnomAD v4.1: 2 of 1,605,924 alleles (0.00012%); highest among the groups gnomAD compares: Non-Finnish European, 0.000085%; no homozygotes.

Submissions (2):

Ambry Genetics
Classification: Uncertain significance for Inborn genetic diseases. Last evaluated: 2025-10-07. Review status: criteria provided, single submitter. Criteria: Ambry Variant Classification Scheme 2023. Collection method: clinical testing. Allele origin: germline.

Labcorp Genetics (formerly Invitae), Labcorp
Classification: Uncertain significance for Epilepsy. Last evaluated: 2023-08-04. Review status: criteria provided, single submitter. Criteria: Invitae Variant Classification Sherloc (09022015). Collection method: clinical testing. Allele origin: germline.
Comment: In summary, the available evidence is currently insufficient to determine the role of this variant in disease. Therefore, it has been classified as a Variant of Uncertain Significance. An algorithm developed to predict the effect of missense changes on protein structure and function (PolyPhen-2) suggests that this variant is likely to be tolerated. ClinVar contains an entry for this variant (Variation ID: 1376576). This variant has not been reported in the literature in individuals affected with PIGQ-related conditions. This variant is not present in population databases (gnomAD no frequency). This sequence change replaces serine, which is neutral and polar, with arginine, which is basic and polar, at codon 178 of the PIGQ protein (p.Ser178Arg).

NM_004204.5(PIGQ):c.532A>C (p.Ser178Arg)

Gene: PIGQ (phosphatidylinositol glycan anchor biosynthesis class Q; plus strand). Cytogenetic location: 16p13.3.
Variant type: single nucleotide variant.
Coding change: c.532A>C on transcript NM_004204.5 (MANE Select); coding-DNA position 532, A replaced by C.
Protein change: p.Ser178Arg; replaces serine 178 with arginine.
Molecular consequence: missense variant.
Genome position (GRCh38, 1-based): chr16:574,606, A>C. VCF-style: chr16-574606-A-C. GRCh37 (hg19) VCF-style: chr16-624606-A-C.
Other names: c.532A>C (NM_148920.1); c.532A>C, p.Ser178Arg (NM_148920.4); short protein forms S178R.
Identifiers: ClinVar variation 1376576 (VCV001376576.9), dbSNP rs2151044564, ClinGen allele CA394048999.